The following continues an entry in ClinVar:

NM_000152.5(GAA):c.1843G>A (p.Gly615Arg)

Gene: GAA. ClinVar aggregate classification (germline): Pathogenic. Pathogenic (1).

Submissions 8 to 11 of 11:

Broad Center for Mendelian Genomics, Broad Institute of MIT and Harvard
Classification: Pathogenic for Glycogen storage disease, type II. Last evaluated: 2020-01-22. Review status: criteria provided, single submitter. Criteria: ACMG Guidelines, 2015. Collection method: curation. Allele origin: germline. Inheritance: Autosomal recessive inheritance. Not counted in ClinVar's aggregate classification.
Comment: This variant has been identified in 0.022% (4/17994) of East Asian chromosomes by the Genome Aggregation Database (gnomAD; dbSNP rs549029029). Although this variant has been seen in the general population, its frequency is low enough to be consistent with a recessive carrier frequency. In vitro functional studies provide some evidence that the p.Gly615Arg variant may impact protein function (PMID: 19862843). However, these types of assays may not accurately represent biological function. Computational prediction tools and conservation analyses suggest that this variant may impact the protein, though this information is not predictive enough to determine pathogenicity. The presence of this variant in combination with reported pathogenic variants in individuals with Glycogen Storage Disease II increases the likelihood that the p.Gly615Arg variant is pathogenic (PMID: 16860134, 18458862). The phenotype of individuals heterozygous for this variant is highly specific for Glycogen Storage Disease II based on reduced GAA activity in relevant tissues, consistent with disease (PMID: 21757382, 16860134, 18458862). In summary, this variant meets criteria to be classified as pathogenic for Glycogen Storage Disease II in an autosomal recessive manner based on in vitro functional studies, low frequency in the general population, and multiple occurrences in combination with pathogenic variants in affected individuals. ACMG/AMP Criteria applied: PS3, PM2, PM3, PP3, PP4 (Richards 2015).

Women's Health and Genetics/Laboratory Corporation of America, LabCorp
Classification: Pathogenic for Glycogen storage disease, type II. Last evaluated: 2018-07-05. Review status: criteria provided, single submitter. Criteria: LabCorp Variant Classification Summary - May 2015. Collection method: clinical testing. Allele origin: germline. Not counted in ClinVar's aggregate classification.
Comment: Variant summary: GAA c.1843G>A (p.Gly615Arg) results in a non-conservative amino acid change in the encoded protein sequence. Five of five in-silico tools predict a damaging effect of the variant on protein function. The variant allele was found at a frequency of 2.1e-05 in 97298 control chromosomes (gnomAD and publication). The variant, c.1843G>A, has been reported in the literature in individuals affected with Glycogen Storage Disease, Type 2 (Pompe Disease), whom presented with significantly decreased enzyme activity (<10%). These data indicate that the variant is likely to be associated with disease. No clinical diagnostic laboratories have submitted clinical-significance assessments for this variant to ClinVar after 2014. Based on the evidence outlined above, the variant was classified as pathogenic.

Juno Genomics, Hangzhou Juno Genomics, Inc
Classification: Pathogenic for Glycogen storage disease, type II; Glycogen storage disease due to acid maltase deficiency, late-onset. Review status: criteria provided, single submitter. Criteria: ACMG Guidelines, 2015. Collection method: clinical testing. Allele origin: germline. Not counted in ClinVar's aggregate classification.
Comment: Absent from controls (or at extremely low frequency if recessive) in Genome Aggregation Database.;Well-established in vitro or in vivo functional studies supportive of a damaging effect on the gene or gene product.;For recessive disorders, detected in trans with a pathogenic variant.;Patient's phenotype or family history is highly specific for a disease with a single genetic etiology.

Counsyl
Classification: Likely pathogenic for Glycogen storage disease, type II. Last evaluated: 2014-05-14. Review status: no assertion criteria provided. Collection method: literature only. Allele origin: unknown. Inheritance: Autosomal recessive inheritance. Not counted in ClinVar's aggregate classification.

Literature cited by the submitters: PubMed 40952111 (cited by Genomenon, Inc); PubMed 37542277 (cited by Genomenon, Inc); PubMed 36137614 (cited by Genomenon, Inc); PubMed 32849613 (cited by Genomenon, Inc); PubMed 32711049 (cited by Genomenon, Inc); PubMed 31953985 (cited by Genomenon, Inc); PubMed 31193175 (cited by Genomenon, Inc); PubMed 31086307 (cited by Genomenon, Inc and Natera, Inc.); PubMed 15366815 (cited by 5 submitters); PubMed 19862843 (cited by Genomenon, Inc and Labcorp Genetics (formerly Invitae), Labcorp); PubMed 10338092 (cited by 3 submitters); PubMed 16860134 (cited by 4 submitters); PubMed 18458862 (cited by 4 submitters); PubMed 18607768 (cited by 3 submitters); PubMed 21757382 (cited by 3 submitters); PubMed 24269976 (cited by 4 submitters); PubMed 25037089 (cited by Labcorp Genetics (formerly Invitae), Labcorp); PubMed 21232767 (cited by Broad Center for Mendelian Genomics, Broad Institute of MIT and Harvard and Counsyl); PubMed 20080426 (cited by Broad Center for Mendelian Genomics, Broad Institute of MIT and Harvard and Counsyl); PubMed 14695532 (cited by Counsyl).